The following is an entry in ClinVar:

ClinVar aggregate classification (germline): Benign. Review status: criteria provided, multiple submitters, no conflicts (2 of 4 stars). 16 submissions from 15 submitters: Benign (11). 5 of the submissions do not count toward it. Last evaluated 2026-02-04.

Conditions:
Cardiovascular phenotype. Identifiers: MedGen CN230736.
Cardiomyopathy (CMYO). Also called: Cardiomyopathies. Identifiers: Orphanet 167848, MedGen C0878544, MONDO:0004994, HP:0001638. Inheritance: Various modes of inheritance.
Hypertrichotic osteochondrodysplasia Cantu type. Also called: Cantu Syndrome; Cantú Syndrome. Identifiers: Orphanet 1517, MedGen C0795905, MONDO:0009406, OMIM 239850.
Dilated cardiomyopathy 1O (CMD1O). Also called: CARDIOMYOPATHY, DILATED, WITH VENTRICULAR TACHYCARDIA. Identifiers: Orphanet 154, MedGen C1837839, MONDO:0012062, OMIM 608569.

Allele frequency attached by ClinVar (database versions not stated): 1000 Genomes Project 30x 0.99656; gnomAD 0.99692 and 0.99709; TOPMed 0.99696; gnomAD exomes 0.99976.

Submissions (16):

Labcorp Genetics (formerly Invitae), Labcorp
Classification: Benign for Dilated cardiomyopathy 1O. Last evaluated: 2026-02-04. Review status: criteria provided, single submitter. Criteria: Invitae Variant Classification Sherloc (09022015). Collection method: clinical testing. Allele origin: germline.

Blueprint Genetics
Classification: Benign. Last evaluated: 2024-11-27. Review status: criteria provided, single submitter. Criteria: ACMG Guidelines, 2015. Collection method: clinical testing. Allele origin: germline.

Genome-Nilou Lab
Classification: Benign for Hypertrichotic osteochondrodysplasia Cantu type. Last evaluated: 2021-07-14. Review status: criteria provided, single submitter. Criteria: ACMG Guidelines, 2015. Collection method: clinical testing. Allele origin: germline. Affected: no.

Illumina Laboratory Services, Illumina
Classification: Benign for Hypertrichotic osteochondrodysplasia Cantu type. Last evaluated: 2018-01-12. Review status: criteria provided, single submitter. Criteria: ICSL Variant Classification Criteria 13 December 2019. Collection method: clinical testing. Allele origin: germline.
Comment: This variant was observed in the ICSL laboratory as part of a predisposition screen in an ostensibly healthy population. It had not been previously curated by ICSL or reported in the Human Gene Mutation Database (HGMD: prior to June 1st, 2018), and was therefore a candidate for classification through an automated scoring system. Utilizing variant allele frequency, disease prevalence and penetrance estimates, and inheritance mode, an automated score was calculated to assess if this variant is too frequent to cause the disease. Based on the score and internal cut-off values, a variant classified as benign is not then subjected to further curation. The score for this variant resulted in a classification of benign for this disease.

Illumina Laboratory Services, Illumina
Classification: Benign for Dilated cardiomyopathy 1O. Last evaluated: 2018-01-12. Review status: criteria provided, single submitter. Criteria: ICSL Variant Classification Criteria 13 December 2019. Collection method: clinical testing. Allele origin: germline.
Comment: the same text as in the submission from Illumina Laboratory Services, Illumina above.

CHEO Genetics Diagnostic Laboratory, Children's Hospital of Eastern Ontario
Classification: Benign for Cardiomyopathy. Last evaluated: 2015-11-16. Review status: criteria provided, single submitter. Criteria: ACMG Guidelines, 2015. Collection method: clinical testing. Allele origin: germline. Study: Canadian Open Genetics Repository.

Ambry Genetics
Classification: Benign for Cardiovascular phenotype. Last evaluated: 2015-03-11. Review status: criteria provided, single submitter. Criteria: Ambry Variant Classification Scheme 2023. Collection method: clinical testing. Allele origin: germline.

GeneDx
Classification: Benign. Last evaluated: 2013-11-22. Review status: criteria provided, single submitter. Criteria: GeneDx Variant Classification (06012015). Collection method: clinical testing. Allele origin: germline. Affected: yes.
Comment: This variant is considered likely benign or benign based on one or more of the following criteria: it is a conservative change, it occurs at a poorly conserved position in the protein, it is predicted to be benign by multiple in silico algorithms, and/or has population frequency not consistent with disease.

Laboratory for Molecular Medicine, Mass General Brigham Personalized Medicine
Classification: Benign. Last evaluated: 2012-04-06. Review status: criteria provided, single submitter. Criteria: LMM Criteria. Collection method: clinical testing. Allele origin: germline. Observed: 2,116 variant alleles.
Comment: Pro432Pro in Exon 08 of ABCC9: This variant is not expected to have clinical sig nificance because it does not alter an amino acid residue, is not located within the splice consensus sequence and has been identified in 0.9% (34/3738) of Afri can American chromosomes from a broad population by the NHLBI Exome Sequencing P roject (dbSNP rs10770865).

Breakthrough Genomics
Classification: Benign. Review status: criteria provided, single submitter. Criteria: ACMG Guidelines, 2015. Collection method: not provided. Allele origin: germline. Inheritance: Autosomal recessive inheritance. Affected: yes.

PreventionGenetics, part of Exact Sciences
Classification: Benign. Review status: criteria provided, single submitter. Criteria: ACMG Guidelines, 2015. Collection method: clinical testing. Allele origin: germline.

Clinical Genetics DNA and cytogenetics Diagnostics Lab, Erasmus MC, Erasmus Medical Center
Classification: Benign. Review status: no assertion criteria provided. Collection method: clinical testing. Allele origin: germline. Affected: yes. Study: VKGL Data-share Consensus. Not counted in ClinVar's aggregate classification.

Clinical Genetics, Academic Medical Center
Classification: Benign. Review status: no assertion criteria provided. Collection method: clinical testing. Allele origin: germline. Affected: yes. Study: VKGL Data-share Consensus. Not counted in ClinVar's aggregate classification.

Diagnostic Laboratory, Department of Genetics, University Medical Center Groningen
Classification: Benign. Review status: no assertion criteria provided. Collection method: clinical testing. Allele origin: germline. Affected: yes. Study: VKGL Data-share Consensus. Not counted in ClinVar's aggregate classification.

Genome Diagnostics Laboratory, University Medical Center Utrecht
Classification: Benign. Review status: no assertion criteria provided. Collection method: clinical testing. Allele origin: germline. Affected: yes. Study: VKGL Data-share Consensus. Not counted in ClinVar's aggregate classification.

Joint Genome Diagnostic Labs from Nijmegen and Maastricht, Radboudumc and MUMC+
Classification: Benign. Review status: no assertion criteria provided. Collection method: clinical testing. Allele origin: germline. Affected: yes. Study: VKGL Data-share Consensus. Not counted in ClinVar's aggregate classification.

NM_020297.4(ABCC9):c.1296= (p.Pro432=)

Gene: ABCC9 (ATP binding cassette subfamily C member 9; minus strand). Cytogenetic location: 12p12.1.
Variant type: single nucleotide variant.
Coding change: c.1296= on transcript NM_020297.4 (MANE Select); coding-DNA position 1296, no change from the reference sequence.
Protein change: p.Pro432=; no amino-acid change (proline 432 retained).
Molecular consequence: no sequence alteration.
Genome position: GRCh38 VCF-style: chr12-21910181-G-G. GRCh37 (hg19) VCF-style: chr12-22063115-A-G.
Other names: p.P432P:CCT>CCC; c.1296=, p.Pro432= (NM_001377273.1, NM_005691.4); c.432=, p.Pro144= (NM_001377274.1).
Identifiers: ClinVar variation 45386 (VCV000045386.35), dbSNP rs10770865.